The following is an entry in ClinVar:

NM_003764.4(STX11):c.97A>G (p.Ile33Val)

Gene: STX11 (syntaxin 11; plus strand). Cytogenetic location: 6q24.2.
Variant type: single nucleotide variant.
Coding change: c.97A>G on transcript NM_003764.4 (MANE Select); coding-DNA position 97, A replaced by G.
Protein change: p.Ile33Val; replaces isoleucine 33 with valine.
Molecular consequence: missense variant.
Genome position (GRCh38, 1-based): chr6:144,186,724, A>G. VCF-style: chr6-144186724-A-G. GRCh37 (hg19) VCF-style: chr6-144507861-A-G.
Other names: c.97A>G (NM_003764.3); short protein forms I33V.
Identifiers: ClinVar variation 1470542 (VCV001470542.6), dbSNP rs1374801969, ClinGen allele CA365948528.
Genomic context (GRCh38, chr6:144,186,724, plus strand): 5'-AAGCAATATGACCAGCAGTTCCCAGACGGGGACGATGAGTTTGACTCGCCCCACGAGGAC[A>G]TCGTGTTCGAGACGGACCACATCCTGGAGTCCCTGTACCGAGACATCCGGGACATTCAGG-3'
Protein context (NP_003755.2, residues 23-43): DDEFDSPHED[Ile33Val]VFETDHILES

ClinVar aggregate classification (germline): Uncertain significance. Review status: criteria provided, multiple submitters, no conflicts (2 of 4 stars). 2 submissions from 2 submitters: Uncertain significance (2). Last evaluated 2025-06-03.

Conditions:
Inborn genetic diseases. Identifiers: MedGen C0950123, MeSH D030342.
Familial hemophagocytic lymphohistiocytosis 4 (FHL4). Also called: STX11-Related Familial Hemophagocytic Lymphohistiocytosis (STX11-fHLH). Identifiers: Orphanet 540, MedGen C1863728, MONDO:0011336, OMIM 603552.

Allele frequency attached by ClinVar (database versions not stated): gnomAD exomes below 0.00001 and 0.00002; gnomAD 0.00001; TOPMed 0.00001.
gnomAD v4.1: 35 of 1,614,096 alleles (0.0022%); highest among the groups gnomAD compares: Non-Finnish European, 0.003%; no homozygotes.

Submissions (2):

Ambry Genetics
Classification: Uncertain significance for Inborn genetic diseases. Last evaluated: 2025-06-03. Review status: criteria provided, single submitter. Criteria: Ambry Variant Classification Scheme 2023. Collection method: clinical testing. Allele origin: germline.

Labcorp Genetics (formerly Invitae), Labcorp
Classification: Uncertain significance for Familial hemophagocytic lymphohistiocytosis 4. Last evaluated: 2021-08-27. Review status: criteria provided, single submitter. Criteria: Invitae Variant Classification Sherloc (09022015). Collection method: clinical testing. Allele origin: germline.
Comment: This sequence change replaces isoleucine with valine at codon 33 of the STX11 protein (p.Ile33Val). The isoleucine residue is weakly conserved and there is a small physicochemical difference between isoleucine and valine. This variant is not present in population databases (ExAC no frequency). This variant has not been reported in the literature in individuals affected with STX11-related conditions. Algorithms developed to predict the effect of missense changes on protein structure and function output the following: SIFT: "Tolerated"; PolyPhen-2: "Benign"; Align-GVGD: "Class C0". The valine amino acid residue is found in multiple mammalian species, which suggests that this missense change does not adversely affect protein function. In summary, the available evidence is currently insufficient to determine the role of this variant in disease. Therefore, it has been classified as a Variant of Uncertain Significance.